The following is an entry in ClinVar:

ClinVar aggregate classification (germline): Uncertain significance. Review status: criteria provided, multiple submitters, no conflicts (2 of 4 stars). 2 submissions from 2 submitters: Uncertain significance (2). Last evaluated 2025-10-15.

Conditions:
Cardiovascular phenotype. Identifiers: MedGen CN230736.

Submissions (2):

Ambry Genetics
Classification: Uncertain significance for Cardiovascular phenotype. Last evaluated: 2025-10-15. Review status: criteria provided, single submitter. Criteria: Ambry Variant Classification Scheme 2023. Collection method: clinical testing. Allele origin: germline.

Labcorp Genetics (formerly Invitae), Labcorp
Classification: Uncertain significance. Last evaluated: 2022-08-20. Review status: criteria provided, single submitter. Criteria: Invitae Variant Classification Sherloc (09022015). Collection method: clinical testing. Allele origin: germline.
Comment: This sequence change replaces glycine, which is neutral and non-polar, with tryptophan, which is neutral and slightly polar, at codon 5 of the GPIHBP1 protein (p.Gly5Trp). In summary, the available evidence is currently insufficient to determine the role of this variant in disease. Therefore, it has been classified as a Variant of Uncertain Significance. Algorithms developed to predict the effect of missense changes on protein structure and function are either unavailable or do not agree on the potential impact of this missense change (SIFT: "Deleterious"; PolyPhen-2: "Probably Damaging"; Align-GVGD: "Class C0"). This variant has not been reported in the literature in individuals affected with GPIHBP1-related conditions. The frequency data for this variant in the population databases is considered unreliable, as metrics indicate poor data quality at this position in the gnomAD database.

NM_178172.6(GPIHBP1):c.13G>T (p.Gly5Trp)

Gene: GPIHBP1 (glycosylphosphatidylinositol anchored high density lipoprotein binding protein 1; plus strand). Cytogenetic location: 8q24.3.
Variant type: single nucleotide variant.
Coding change: c.13G>T on transcript NM_178172.6 (MANE Select); coding-DNA position 13, G replaced by T.
Protein change: p.Gly5Trp; replaces glycine 5 with tryptophan.
Molecular consequence: missense variant.
Genome position (GRCh38, 1-based): chr8:143,213,280, G>T. VCF-style: chr8-143213280-G-T. GRCh37 (hg19) VCF-style: chr8-144295155-G-T.
Other names: c.13G>T, p.Gly5Trp (NM_001301772.2); c.13G>T (NM_178172.3); short protein forms G5W.
Identifiers: ClinVar variation 2175961 (VCV002175961.7), dbSNP rs529580108, ClinGen allele CA187515235.